The following is an entry in ClinVar:

NM_031448.6(C19orf12):c.-11+223G>A

Genes: C19orf12 (chromosome 19 open reading frame 12; minus strand), LOC130064129 (ATAC-STARR-seq lymphoblastoid silent region 10465; plus strand). Cytogenetic location: 19q12.
Variant type: single nucleotide variant.
Coding change: c.-11+223G>A on transcript NM_031448.6 (MANE Select); 223 bases into the intron after 11 bases upstream of the start codon, G replaced by A.
Molecular consequence: intron variant.
Genome position (GRCh38, 1-based): chr19:29,714,902, C>T on the plus strand (G>A on the coding strand, the complement: C19orf12 is on the minus strand). VCF-style: chr19-29714902-C-T. GRCh37 (hg19) VCF-style: chr19-30205809-C-T.
Other names: c.-33+5G>A (NM_001282929.1); c.-11+661G>A (NM_001256047.2); c.-33+223G>A (NM_001282930.3); c.-11+223G>A (NM_001256046.3); c.-324+223G>A (NM_001282931.3); c.-11+5G>A (NM_001031726.4).
Identifiers: ClinVar variation 642357 (VCV000642357.7), dbSNP rs1339985700, ClinGen allele CA881243571.

ClinVar aggregate classification (germline): Uncertain significance (1 of 4 stars; one submission).

Conditions:
Hereditary spastic paraplegia 43. Also called: Spastic paraplegia 43, autosomal recessive. Identifiers: Orphanet 320370, MedGen C2680446, MONDO:0014024, OMIM 615043.

Allele frequency attached by ClinVar (database versions not stated): gnomAD 0.00001; TOPMed 0.00001.
gnomAD v4.1: 3 of 667,404 alleles (0.00045%); highest among the groups gnomAD compares: Admixed American, 0.0021%; no homozygotes.

Submission:

Labcorp Genetics (formerly Invitae), Labcorp
Classification: Uncertain significance for Hereditary spastic paraplegia 43. Last evaluated: 2023-02-16. Review status: criteria provided, single submitter. Criteria: Invitae Variant Classification Sherloc (09022015). Collection method: clinical testing. Allele origin: germline.
Comment: Variants that disrupt the consensus splice site are a relatively common cause of aberrant splicing (PMID: 17576681, 9536098). Algorithms developed to predict the effect of sequence changes on RNA splicing suggest that this variant may disrupt the consensus splice site. This sequence change falls in intron 1 of the C19orf12 gene. It does not directly change the encoded amino acid sequence of the C19orf12 protein. It affects a nucleotide within the consensus splice site. This variant is not present in population databases (gnomAD no frequency). This variant has not been reported in the literature in individuals affected with C19orf12-related conditions. ClinVar contains an entry for this variant (Variation ID: 642357). In summary, the available evidence is currently insufficient to determine the role of this variant in disease. Therefore, it has been classified as a Variant of Uncertain Significance.

Literature cited by the submitters: PubMed 17576681; PubMed 9536098.